The following is an entry in ClinVar:

ClinVar aggregate classification (germline): Uncertain significance (1 of 4 stars; one submission).

Conditions:
Primary ciliary dyskinesia. Also called: Ciliary dyskinesia. Identifiers: Orphanet 244, MedGen C0008780, MONDO:0016575, HP:0012265.

Allele frequency attached by ClinVar (database versions not stated): gnomAD exomes below 0.00001.
gnomAD v4.1: 2 of 1,210,936 alleles (0.00017%); highest among the groups gnomAD compares: Non-Finnish European, 0.00022%; no homozygotes.

Submission:

Labcorp Genetics (formerly Invitae), Labcorp
Classification: Uncertain significance for Primary ciliary dyskinesia. Last evaluated: 2023-07-07. Review status: criteria provided, single submitter. Criteria: Invitae Variant Classification Sherloc (09022015). Collection method: clinical testing. Allele origin: germline.
Comment: In summary, the available evidence is currently insufficient to determine the role of this variant in disease. Therefore, it has been classified as a Variant of Uncertain Significance. Advanced modeling of protein sequence and biophysical properties (such as structural, functional, and spatial information, amino acid conservation, physicochemical variation, residue mobility, and thermodynamic stability) performed at Invitae indicates that this missense variant is not expected to disrupt RPGR protein function. This variant has not been reported in the literature in individuals affected with RPGR-related conditions. This variant is not present in population databases (gnomAD no frequency). This sequence change replaces serine, which is neutral and polar, with leucine, which is neutral and non-polar, at codon 691 of the RPGR protein (p.Ser691Leu).

NC_000023.11:g.38276606G>A

Gene: RPGR (retinitis pigmentosa GTPase regulator; minus strand). Cytogenetic location: Xp11.4.
Variant type: single nucleotide variant.
Molecular consequence: missense variant (on NM_001367248.1). On other transcripts: non-coding transcript variant (6).
Genome position: GRCh38 VCF-style: chrX-38276606-G-A. GRCh37 (hg19) VCF-style: chrX-38135859-G-A.
Other names: c.1769C>T, p.Ser590Leu (NM_001367248.1); c.1736C>T, p.Ser579Leu (NM_001367249.1, NM_001367250.1); c.1553C>T, p.Ser518Leu (NM_001367251.1); c.2072C>T, p.Ser691Leu (NM_000328.3); c.2069C>T, p.Ser690Leu (NM_001367245.1); c.1886C>T, p.Ser629Leu (NM_001367246.1); c.1739C>T, p.Ser580Leu (NM_001367247.1); short protein forms S629L, S690L, S691L, S518L, S590L, S579L, S580L.
Identifiers: ClinVar variation 2720012 (VCV002720012.3), dbSNP rs2519757364, ClinGen allele CA412720257.